The following is an entry in ClinVar:

NM_000551.4(VHL):c.220G>C (p.Val74Leu)

Gene: VHL (von Hippel-Lindau tumor suppressor; plus strand). Cytogenetic location: 3p25.3.
Variant type: single nucleotide variant.
Coding change: c.220G>C on transcript NM_000551.4 (MANE Select); coding-DNA position 220, G replaced by C.
Protein change: p.Val74Leu; replaces valine 74 with leucine.
Molecular consequence: missense variant.
Genome position (GRCh38, 1-based): chr3:10,142,067, G>C. VCF-style: chr3-10142067-G-C. GRCh37 (hg19) VCF-style: chr3-10183751-G-C.
Other names: c.220G>C, p.Val74Leu (NM_001354723.2, NM_198156.3); short protein forms V74L.
Identifiers: ClinVar variation 1462510 (VCV001462510.6), dbSNP rs2125125032, ClinGen allele CA351749160.
Genomic context (GRCh38, chr3:10,142,067, plus strand): 5'-ATGGAGGCCGGGCGGCCGCGGCCCGTGCTGCGCTCGGTGAACTCGCGCGAGCCCTCCCAG[G>C]TCATCTTCTGCAATCGCAGTCCGCGCGTCGTGCTGCCCGTATGGCTCAACTTCGACGGCG-3'
Protein context (NP_000542.1, residues 64-84): RSVNSREPSQ[Val74Leu]IFCNRSPRVV

ClinVar aggregate classification (germline): Uncertain significance (1 of 4 stars; one submission).

Conditions:
Von Hippel-Lindau syndrome (VHLS). Also called: Von Hippel-Lindau; von Hippel–Lindau syndrome; VHL syndrome. Identifiers: Orphanet 892, MedGen C0019562, MONDO:0008667, OMIM 193300. Disease mechanism: loss of function.
Chuvash polycythemia. Also called: POLYCYTHEMIA, VHL-DEPENDENT. Identifiers: Orphanet 238557, MedGen C1837915, MONDO:0009892, OMIM 263400.

Submission:

Labcorp Genetics (formerly Invitae), Labcorp
Classification: Uncertain significance for Von Hippel-Lindau syndrome; Chuvash polycythemia. Last evaluated: 2025-07-08. Review status: criteria provided, single submitter. Criteria: Invitae Variant Classification Sherloc (09022015). Collection method: clinical testing. Allele origin: germline.
Comment: This sequence change replaces valine, which is neutral and non-polar, with leucine, which is neutral and non-polar, at codon 74 of the VHL protein (p.Val74Leu). This variant is not present in population databases (gnomAD no frequency). This variant has not been reported in the literature in individuals affected with VHL-related conditions. ClinVar contains an entry for this variant (Variation ID: 1462510). Invitae Evidence Modeling of protein sequence and biophysical properties (such as structural, functional, and spatial information, amino acid conservation, physicochemical variation, residue mobility, and thermodynamic stability) indicates that this missense variant is expected to disrupt VHL protein function with a positive predictive value of 95%. This variant disrupts the p.Val74 amino acid residue in VHL. Other variant(s) that disrupt this residue have been determined to be pathogenic (PMID: 21715564; internal data). This suggests that this residue is clinically significant, and that variants that disrupt this residue are likely to be disease-causing. In summary, the available evidence is currently insufficient to determine the role of this variant in disease. Therefore, it has been classified as a Variant of Uncertain Significance.

Literature cited by the submitters: PubMed 21715564.